The following is an entry in ClinVar:

NM_002240.5(KCNJ6):c.61G>A (p.Val21Ile)

Genes: KCNJ6 (potassium inwardly rectifying channel subfamily J member 6; minus strand), KCNJ6-AS1 (KCNJ6 antisense RNA 1; plus strand). Cytogenetic location: 21q22.13.
Variant type: single nucleotide variant.
Coding change: c.61G>A on transcript NM_002240.5 (MANE Select); coding-DNA position 61, G replaced by A.
Protein change: p.Val21Ile; replaces valine 21 with isoleucine.
Molecular consequence: missense variant.
Genome position (GRCh38, 1-based): chr21:37,715,096, C>T on the plus strand (G>A on the coding strand, the complement: KCNJ6 is on the minus strand). VCF-style: chr21-37715096-C-T. GRCh37 (hg19) VCF-style: chr21-39087399-C-T.
Other names: short protein forms V21I.
Identifiers: ClinVar variation 2053056 (VCV002053056.4), dbSNP rs189660567, ClinGen allele CA10024360.
Genomic context (GRCh38, chr21:37,715,096, plus strand): 5'-GCAGGTCATCCCTGGCCTGCTTAGGCAACTTTGGCTGGTGAATGGCCACTGGGCTTTCGA[C>T]GTCCTGATCCATGGAGTCGCCCTCCAGGACGTTAGCTGGTGGTTTGGAGAAAAGAAAAGA-3'
Protein context (NP_002231.1, residues 11-31): VLEGDSMDQD[Val21Ile]ESPVAIHQPK

ClinVar aggregate classification (germline): Uncertain significance (1 of 4 stars; one submission).

Allele frequency attached by ClinVar (database versions not stated): TOPMed 0.00009; ESP Exome Variant Server 0.00008; ExAC 0.00003; gnomAD exomes 0.00006; gnomAD 0.00011; 1000 Genomes Project 0.00040; 1000 Genomes Project 30x 0.00047.
gnomAD v4.1: 100 of 1,614,096 alleles (0.0062%); highest among the groups gnomAD compares: African/African-American, 0.023%; no homozygotes.

Submission:

Labcorp Genetics (formerly Invitae), Labcorp
Classification: Uncertain significance. Last evaluated: 2022-09-10. Review status: criteria provided, single submitter. Criteria: Invitae Variant Classification Sherloc (09022015). Collection method: clinical testing. Allele origin: germline.
Comment: This sequence change replaces valine, which is neutral and non-polar, with isoleucine, which is neutral and non-polar, at codon 21 of the KCNJ6 protein (p.Val21Ile). In summary, the available evidence is currently insufficient to determine the role of this variant in disease. Therefore, it has been classified as a Variant of Uncertain Significance. Algorithms developed to predict the effect of missense changes on protein structure and function (SIFT, PolyPhen-2, Align-GVGD) all suggest that this variant is likely to be tolerated. This variant has not been reported in the literature in individuals affected with KCNJ6-related conditions. This variant is present in population databases (rs189660567, gnomAD 0.04%), and has an allele count higher than expected for a pathogenic variant.